The following is an entry in ClinVar:

ClinVar aggregate classification (germline): Conflicting classifications of pathogenicity. Review status: criteria provided, conflicting classifications (1 of 4 stars). 3 submissions from 3 submitters: Likely pathogenic (1); Uncertain significance (2). Last evaluated 2025-08-15.

Conditions:
Fabry disease. Also called: Fabry's disease; ALPHA-GALACTOSIDASE A DEFICIENCY; ANDERSON-FABRY DISEASE; CERAMIDE TRIHEXOSIDASE DEFICIENCY; GLA DEFICIENCY; HEREDITARY DYSTOPIC LIPIDOSIS. Identifiers: Orphanet 324, MedGen C0002986, MONDO:0010526, OMIM 301500, HP:0001071. Disease mechanism: Fabry disease is due to inactivating mutations in the X-linked GLA gene resulting in deficiency of the enzyme Alpha Galactosidase-A., loss of function.
GLA-related disorder. Also called: GLA-related condition.

Submissions (3):

PreventionGenetics, part of Exact Sciences
Classification: Uncertain significance for GLA-related condition. Last evaluated: 2025-08-15. Review status: criteria provided, single submitter. Criteria: ACMG Guidelines, 2015. Collection method: clinical testing. Allele origin: germline.
Comment: The GLA c.254G>C variant is predicted to result in the amino acid substitution p.Gly85Ala. To our knowledge, this variant has not been reported in the literature or in a large population database (gnomAD), indicating this variant is rare. Alternative variants at the same codon (p.Gly85Asn, p.Gly85Asp, p.Gly85Ser) have been reported in individuals with Fabry disease (Madsen et al. 1995. PubMed ID: 7599642; Hughes et al. 2016. PubMed ID: 27834756; Frabasil et al. 2019. PubMed ID: 31392112; Sirrs et al. 2010. PubMed ID: 20022777). One submitter in ClinVar has reported this variant p.Gly85Ala in an individual with Fabry disease. Although we suspect that this variant may be pathogenic, at this time, the clinical significance of this variant is uncertain due to the absence of conclusive functional and genetic evidence.

Labcorp Genetics (formerly Invitae), Labcorp
Classification: Likely pathogenic for Fabry disease. Last evaluated: 2021-07-09. Review status: criteria provided, single submitter. Criteria: Invitae Variant Classification Sherloc (09022015). Collection method: clinical testing. Allele origin: germline.
Comment: ClinVar contains an entry for this variant (Variation ID: 596780). In summary, the currently available evidence indicates that the variant is pathogenic, but additional data are needed to prove that conclusively. Therefore, this variant has been classified as Likely Pathogenic. This variant disrupts the p.Gly85 amino acid residue in GLA. Other variant(s) that disrupt this residue have been determined to be pathogenic (PMID: 7599642, 27834756, 31392112; Invitae). This suggests that this residue is clinically significant, and that variants that disrupt this residue are likely to be disease-causing. Algorithms developed to predict the effect of missense changes on protein structure and function (SIFT, PolyPhen-2, Align-GVGD) all suggest that this variant is likely to be disruptive. This variant has been observed in individual(s) with clinical features of Fabry disease (Invitae). This variant is not present in population databases (ExAC no frequency). This sequence change replaces glycine with alanine at codon 85 of the GLA protein (p.Gly85Ala). The glycine residue is highly conserved and there is a small physicochemical difference between glycine and alanine.

Eurofins Ntd Llc (ga)
Classification: Uncertain significance. Last evaluated: 2018-04-05. Review status: criteria provided, single submitter. Criteria: EGL ClinVar v180209 classification definitions. Collection method: clinical testing. Allele origin: germline. Observed: 2 variant alleles, 2 heterozygotes.

Literature cited by the submitters: PubMed 7599642 (cited by Labcorp Genetics (formerly Invitae), Labcorp); PubMed 27834756 (cited by Labcorp Genetics (formerly Invitae), Labcorp); PubMed 31392112 (cited by Labcorp Genetics (formerly Invitae), Labcorp).

NM_000169.3(GLA):c.254G>C (p.Gly85Ala)

Genes: GLA (galactosidase alpha; minus strand), RPL36A-HNRNPH2 (RPL36A-HNRNPH2 readthrough; plus strand). Cytogenetic location: Xq22.1.
Variant type: single nucleotide variant.
Coding change: c.254G>C on transcript NM_000169.3 (MANE Select); coding-DNA position 254, G replaced by C.
Protein change: p.Gly85Ala; replaces glycine 85 with alanine.
Molecular consequence: missense variant. On other transcripts: non-coding transcript variant (3), intron variant (2).
Genome position (GRCh38, 1-based): chrX:101,403,926, C>G on the plus strand (G>C on the coding strand, the complement: GLA is on the minus strand). VCF-style: chrX-101403926-C-G. GRCh37 (hg19) VCF-style: chrX-100658914-C-G.
Other names: c.377G>C, p.Gly126Ala (NM_001406747.1, NM_001406749.1); c.254G>C, p.Gly85Ala (NM_001406748.1); c.301-8010C>G (NM_001199973.2); c.178-8010C>G (NM_001199974.2); short protein forms G85A, G126A.
Identifiers: ClinVar variation 596780 (VCV000596780.14), dbSNP rs1569304898, ClinGen allele CA413933910.